The following is an entry in ClinVar:

NM_001374736.1(DST):c.18818_18819dup (p.Arg6274fs)

Gene: DST (dystonin; minus strand). Cytogenetic location: 6p12.1.
Variant type: Duplication.
Coding change: c.18818_18819dup on transcript NM_001374736.1 (MANE Select); coding-DNA positions 18818 to 18819, 2 bases duplicated (AA; older notation c.18818_18819dupAA).
Protein change: p.Arg6274fs; shifts the reading frame from arginine 6274.
Molecular consequence: frameshift variant.
Genome position (GRCh38, 1-based): chr6:56,509,835-56,509,836, TT duplicated on the plus strand (AA on the coding strand, the reverse complement: DST is on the minus strand). VCF-style (leftmost placement, unchanged base first): chr6-56509834-G-GTT. GRCh37 (hg19) VCF-style: chr6-56374632-G-GTT.
Other names: c.12461_12462dup, p.Arg4155fs (NM_001144769.5); c.12047_12048dup, p.Arg4017fs (NM_001144770.2); c.18818_18819dup, p.Arg6274fs (NM_001374722.1); c.17858_17859dup, p.Arg5954fs (NM_001374729.1); c.11600_11601dup, p.Arg3868fs (NM_001374730.1); c.18845_18846dup, p.Arg6283fs (NM_001374734.1); c.11927_11928dup, p.Arg3977fs (NM_001386100.1, NM_183380.4); c.10949_10950dup, p.Arg3651fs (NM_015548.5); short protein forms R4017fs, R4155fs, R3868fs, R3977fs, R6274fs, R6283fs, R3651fs, R5954fs.
Identifiers: ClinVar variation 2941151 (VCV002941151.3), dbSNP rs2534338827, ClinGen allele CA2740091368.

ClinVar aggregate classification (germline): Pathogenic (1 of 4 stars; one submission).

Conditions:
Hereditary sensory and autonomic neuropathy type 6. Also called: HSAN VI; Neuropathy, hereditary sensory and autonomic, type VI. Identifiers: Orphanet 314381, MedGen C3539003, MONDO:0013839, OMIM 614653.
Epidermolysis bullosa simplex 3, localized or generalized intermediate, with BP230 deficiency (EBS3). Also called: Epidermolysis bullosa simplex due to BP230 deficiency; Epidermolysis bullosa simplex, autosomal recessive 2. Identifiers: Orphanet 412181, MedGen C3809470, MONDO:0014180, OMIM 615425.

Submission:

Labcorp Genetics (formerly Invitae), Labcorp
Classification: Pathogenic for Epidermolysis bullosa simplex 3, localized or generalized intermediate, with BP230 deficiency; Hereditary sensory and autonomic neuropathy type 6. Last evaluated: 2022-10-31. Review status: criteria provided, single submitter. Criteria: Invitae Variant Classification Sherloc (09022015). Collection method: clinical testing. Allele origin: germline.
Comment: For these reasons, this variant has been classified as Pathogenic. This variant has not been reported in the literature in individuals affected with DST-related conditions. This variant is not present in population databases (gnomAD no frequency). This sequence change creates a premature translational stop signal (p.Arg3651Asnfs*7) in the DST gene. It is expected to result in an absent or disrupted protein product. Loss-of-function variants in DST are known to be pathogenic (PMID: 22522446, 25059916, 30371979). The DST gene has multiple clinically relevant transcripts. This variant occurs in alternate transcript NM_015548.4, and corresponds to NM_001723.5:c.*105681_*105682dup in the primary transcript.

Literature cited by the submitters: PubMed 22522446; PubMed 25059916; PubMed 30371979.